The following is an entry in ClinVar:

NM_024589.3(ROGDI):c.825C>G (p.Ile275Met)

Gene: ROGDI (rogdi atypical leucine zipper; minus strand). Cytogenetic location: 16p13.3.
Variant type: single nucleotide variant.
Coding change: c.825C>G on transcript NM_024589.3 (MANE Select); coding-DNA position 825, C replaced by G.
Protein change: p.Ile275Met; replaces isoleucine 275 with methionine.
Molecular consequence: missense variant. On other transcripts: non-coding transcript variant (1).
Genome position (GRCh38, 1-based): chr16:4,797,499, G>C on the plus strand (C>G on the coding strand, the complement: ROGDI is on the minus strand). VCF-style: chr16-4797499-G-C. GRCh37 (hg19) VCF-style: chr16-4847500-G-C.
Other names: c.825C>G (NM_024589.1); short protein forms I275M.
Identifiers: ClinVar variation 1062446 (VCV001062446.10), dbSNP rs752311951, ClinGen allele CA394647486.

ClinVar aggregate classification (germline): Uncertain significance. Review status: criteria provided, multiple submitters, no conflicts (2 of 4 stars). 2 submissions from 2 submitters: Uncertain significance (2). Last evaluated 2025-04-01.

Conditions:
Inborn genetic diseases. Identifiers: MedGen C0950123, MeSH D030342.
Amelocerebrohypohidrotic syndrome (KTZS). Also called: EPILEPSY AND YELLOW TEETH; EPILEPSY, DEMENTIA, AND AMELOGENESIS IMPERFECTA; KOHLSCHUTTER SYNDROME; Kohlschutter's syndrome. Identifiers: Orphanet 1946, MedGen C0406740, MONDO:0009185, OMIM 226750.

gnomAD v4.1: 3 of 1,608,256 alleles (0.00019%); highest among the groups gnomAD compares: African/African-American, 0.004%; no homozygotes.

Submissions (2):

Ambry Genetics
Classification: Uncertain significance for Inborn genetic diseases. Last evaluated: 2025-04-01. Review status: criteria provided, single submitter. Criteria: Ambry Variant Classification Scheme 2023. Collection method: clinical testing. Allele origin: germline.

Labcorp Genetics (formerly Invitae), Labcorp
Classification: Uncertain significance for Amelocerebrohypohidrotic syndrome. Last evaluated: 2022-08-23. Review status: criteria provided, single submitter. Criteria: Invitae Variant Classification Sherloc (09022015). Collection method: clinical testing. Allele origin: germline.
Comment: This sequence change replaces isoleucine, which is neutral and non-polar, with methionine, which is neutral and non-polar, at codon 275 of the ROGDI protein (p.Ile275Met). This variant is present in population databases (no rsID available, gnomAD 0.007%). This variant has not been reported in the literature in individuals affected with ROGDI-related conditions. ClinVar contains an entry for this variant (Variation ID: 1062446). Algorithms developed to predict the effect of missense changes on protein structure and function are either unavailable or do not agree on the potential impact of this missense change (SIFT: "Deleterious"; PolyPhen-2: "Possibly Damaging"; Align-GVGD: "Class C0"). In summary, the available evidence is currently insufficient to determine the role of this variant in disease. Therefore, it has been classified as a Variant of Uncertain Significance.